The following is an entry in ClinVar:

ClinVar aggregate classification (germline): Uncertain significance. Review status: criteria provided, multiple submitters, no conflicts (2 of 4 stars). 4 submissions from 4 submitters: Uncertain significance (3). 1 of the submissions does not count toward it. Last evaluated 2025-10-07.

Conditions:
Amyotrophic lateral sclerosis type 1 (ALS1). Also called: AMYOTROPHIC LATERAL SCLEROSIS 1, FAMILIAL. Identifiers: Orphanet 803, MedGen C1862939, MONDO:0007103, OMIM 105400.

Submissions (4):

3billion
Classification: Uncertain significance for Amyotrophic lateral sclerosis type 1. Last evaluated: 2025-10-07. Review status: criteria provided, single submitter. Criteria: ACMG Guidelines, 2015. Collection method: clinical testing. Allele origin: germline. Affected: yes.
Comment: The variant is not observed in the gnomAD v4.1.0 dataset. Predicted Consequence/Location: Inframe deletion located in a nonrepeat region: predicted to change the length of the protein and disrupt normal protein function. In silico tools predict the variant to alter splicing and produce an abnormal transcript [SpliceAI: 0.28 (spliceogenicity >=0.2, non-spliceogenicity <0.1)]. The variant has been reported to be associated with SOD1-related disorder (PMID: 19332692). Therefore, this variant is classified as VUS according to the recommendation of ACMG/AMP guideline.

Labcorp Genetics (formerly Invitae), Labcorp
Classification: Uncertain significance for Amyotrophic lateral sclerosis type 1. Last evaluated: 2025-05-09. Review status: criteria provided, single submitter. Criteria: Invitae Variant Classification Sherloc (09022015). Collection method: clinical testing. Allele origin: germline.
Comment: This variant, c.83_88del, results in the deletion of 2 amino acid(s) of the SOD1 protein (p.Gly28_Pro29del), but otherwise preserves the integrity of the reading frame. This variant is not present in population databases (gnomAD no frequency). This variant has been observed in individual(s) with autosomal dominant amyotrophic lateral sclerosis and/or autosomal recessive amyotrophic lateral sclerosis (PMID: 19332692, 22292843; internal data). ClinVar contains an entry for this variant (Variation ID: 1256557). Studies have shown this variant is associated with skipping of exon 2 or of exons 2 and 3, but one or more of the resulting mRNA isoform(s) may be naturally occurring (PMID: 19332692). In summary, the available evidence is currently insufficient to determine the role of this variant in disease. Therefore, it has been classified as a Variant of Uncertain Significance.

Athena Diagnostics
Classification: Uncertain significance. Last evaluated: 2024-02-01. Review status: criteria provided, single submitter. Criteria: Athena Diagnostics Criteria. Collection method: clinical testing. Allele origin: unknown.
Comment: Available data are insufficient to determine the clinical significance of the variant at this time. This variant has been identified in at least one individual with ALS. This variant has not been reported in large, multi-ethnic general populations. Computational tools yielded predictions that this variant is unlikely to have an effect on normal RNA splicing.

OMIM
Classification: Pathogenic for AMYOTROPHIC LATERAL SCLEROSIS 1. Last evaluated: 2009-03-31. Review status: no assertion criteria provided. Collection method: literature only. Allele origin: germline. Not counted in ClinVar's aggregate classification.

Literature cited by the submitters: PubMed 19332692 (cited by 4 submitters); PubMed 22292843 (cited by Labcorp Genetics (formerly Invitae), Labcorp and Athena Diagnostics); PubMed 19670443 (cited by Athena Diagnostics).

NM_000454.5(SOD1):c.83_88del (p.Gly28_Pro29del)

Gene: SOD1 (superoxide dismutase 1; plus strand). Cytogenetic location: 21q22.11.
Variant type: Deletion.
Coding change: c.83_88del on transcript NM_000454.5 (MANE Select); coding-DNA positions 83 to 88, 6 bases deleted (GACCAG; older notation c.83_88delGACCAG).
Protein change: p.Gly28_Pro29del.
Molecular consequence: inframe deletion.
Genome position (GRCh38, 1-based): chr21:31,663,800-31,663,805, GACCAG deleted; deleting any 6 consecutive bases within chr21:31,663,799-31,663,805 gives the same sequence; the c. name uses the placement nearest the transcript's 3' end. VCF-style (leftmost placement, unchanged base first): chr21-31663798-TGGACCA-T. GRCh37 (hg19) VCF-style: chr21-33036111-TGGACCA-T.
Identifiers: ClinVar variation 1256557 (VCV001256557.11), dbSNP rs2049569360, ClinGen allele CA913184920.